The following is an entry in ClinVar:

ClinVar aggregate classification (germline): Pathogenic (1 of 4 stars; one submission).

Submission:

Labcorp Genetics (formerly Invitae), Labcorp
Classification: Pathogenic. Last evaluated: 2022-07-25. Review status: criteria provided, single submitter. Criteria: Invitae Variant Classification Sherloc (09022015). Collection method: clinical testing. Allele origin: germline.
Comment: For these reasons, this variant has been classified as Pathogenic. This variant has not been reported in the literature in individuals affected with ACAN-related conditions. This variant is not present in population databases (gnomAD no frequency). This sequence change creates a premature translational stop signal (p.Tyr131Serfs*5) in the ACAN gene. It is expected to result in an absent or disrupted protein product. Loss-of-function variants in ACAN are known to be pathogenic (PMID: 16080123, 24762113).

Literature cited by the submitters: PubMed 16080123; PubMed 24762113.

NM_001369268.1(ACAN):c.392del (p.Tyr131fs)

Gene: ACAN (aggrecan; plus strand). Cytogenetic location: 15q26.1.
Variant type: Deletion.
Coding change: c.392del on transcript NM_001369268.1 (MANE Select); coding-DNA position 392, one base deleted (A; older notation c.392delA).
Protein change: p.Tyr131fs; shifts the reading frame from tyrosine 131.
Molecular consequence: frameshift variant.
Genome position (GRCh38, 1-based): chr15:88,838,984, A deleted. VCF-style (leftmost placement, unchanged base first): chr15-88838983-TA-T. GRCh37 (hg19) VCF-style: chr15-89382214-TA-T.
Other names: c.392del, p.Tyr131fs (NM_001135.4, NM_013227.4); c.392delA, p.Tyr131Serfs (NM_001411096.1, NM_001411097.1); short protein forms Y131fs.
Identifiers: ClinVar variation 2052120 (VCV002052120.4), dbSNP rs2505223464, ClinGen allele CA2580090135.